The following is an entry in ClinVar:

NM_173551.5(ANKS6):c.1235G>A (p.Arg412Gln)

Gene: ANKS6 (ankyrin repeat and sterile alpha motif domain containing 6; minus strand). Cytogenetic location: 9q22.33.
Variant type: single nucleotide variant.
Coding change: c.1235G>A on transcript NM_173551.5 (MANE Select); coding-DNA position 1235, G replaced by A.
Protein change: p.Arg412Gln; replaces arginine 412 with glutamine.
Molecular consequence: missense variant.
Genome position (GRCh38, 1-based): chr9:98,780,322, C>T on the plus strand (G>A on the coding strand, the complement: ANKS6 is on the minus strand). VCF-style: chr9-98780322-C-T. GRCh37 (hg19) VCF-style: chr9-101542604-C-T.
Other names: short protein forms R412Q.
Identifiers: ClinVar variation 2439104 (VCV002439104.4), dbSNP rs764745147, ClinGen allele CA5153568.

ClinVar aggregate classification (germline): Conflicting classifications of pathogenicity. Review status: criteria provided, conflicting classifications (1 of 4 stars). 2 submissions from 2 submitters: Uncertain significance (1); Likely benign (1). Last evaluated 2024-09-20.

Conditions:
Nephronophthisis 16 (NPHP16). Identifiers: Orphanet 655, MedGen C3809320, MONDO:0014158, OMIM 615382.

Allele frequency attached by ClinVar (database versions not stated): gnomAD 0.00001; gnomAD exomes 0.00001; TOPMed 0.00001; ExAC 0.00002.
gnomAD v4.1: 5 of 1,598,946 alleles (0.00031%); highest among the groups gnomAD compares: East Asian, 0.0045%; no homozygotes.

Submissions (2):

3billion
Classification: Likely benign for Nephronophthisis 16. Last evaluated: 2024-09-20. Review status: criteria provided, single submitter. Criteria: ACMG Guidelines, 2015. Collection method: clinical testing. Allele origin: germline. Affected: no.
Comment: The homozygous variant was found in patients diagnosed with another variant in a different gene, with no symptoms related to the gene containing the homozygous variant.

Revvity Omics, Revvity
Classification: Uncertain significance for Nephronophthisis 16. Last evaluated: 2023-01-10. Review status: criteria provided, single submitter. Criteria: ACMG Guidelines, 2015. Collection method: clinical testing. Allele origin: germline.